The following is an entry in ClinVar:

NM_000052.7(ATP7A):c.1486G>T (p.Gly496Cys)

Gene: ATP7A (ATPase copper transporting alpha; plus strand). Cytogenetic location: Xq21.1.
Variant type: single nucleotide variant.
Coding change: c.1486G>T on transcript NM_000052.7 (MANE Select); coding-DNA position 1486, G replaced by T.
Protein change: p.Gly496Cys; replaces glycine 496 with cysteine.
Molecular consequence: missense variant.
Genome position (GRCh38, 1-based): chrX:77,998,627, G>T. VCF-style: chrX-77998627-G-T. GRCh37 (hg19) VCF-style: chrX-77254124-G-T.
Other names: c.1486G>T, p.Gly496Cys (NM_001282224.2); short protein forms G496C.
Identifiers: ClinVar variation 1307874 (VCV001307874.2), dbSNP rs1249256780, ClinGen allele CA413595030.
Genomic context (GRCh38, chrX:77,998,627, plus strand): 5'-ACACCAGTTCAAGACAAGGAGGAAGGAAAGAATTCATCTAAGTGTTACATACAGGTCACT[G>T]GCATGACTTGCGCTTCCTGTGTAGCAAACATTGAACGGAATTTAAGGCGGGAAGAAGGTG-3'
Protein context (NP_000043.4, residues 486-506): NSSKCYIQVT[Gly496Cys]MTCASCVANI

ClinVar aggregate classification (germline): Uncertain significance (1 of 4 stars; one submission).

Submission:

GeneDx
Classification: Uncertain significance. Last evaluated: 2019-08-08. Review status: criteria provided, single submitter. Criteria: GeneDx Variant Classification Process June 2021. Collection method: clinical testing. Allele origin: germline. Affected: yes.
Comment: Has not been previously published as pathogenic or benign to our knowledge; Not observed in large population cohorts (Lek et al., 2016); In silico analysis, which includes protein predictors and evolutionary conservation, supports a deleterious effect